The following is an entry in ClinVar:

ClinVar aggregate classification (germline): Benign/Likely benign. Review status: criteria provided, multiple submitters, no conflicts (2 of 4 stars). 4 submissions from 4 submitters: Benign (2); Likely benign (2). Last evaluated 2026-08-01.

Allele frequency attached by ClinVar (database versions not stated): gnomAD exomes 0.00118; ExAC 0.00143; gnomAD 0.00365 and 0.00394; TOPMed 0.00432; ESP Exome Variant Server 0.00446; 1000 Genomes Project 0.00539; 1000 Genomes Project 30x 0.00547.

Submissions (4):

CeGaT Center for Human Genetics Tuebingen
Classification: Likely benign. Last evaluated: 2026-08-01. Review status: criteria provided, single submitter. Criteria: CeGaT Center For Human Genetics Tuebingen Variant Classification Criteria Version 2. Collection method: clinical testing. Allele origin: germline. Affected: yes. Observed: 1 variant allele.
Comment: MYOCD: BP4, BS1

Blueprint Genetics
Classification: Likely benign. Last evaluated: 2024-11-12. Review status: criteria provided, single submitter. Criteria: ACMG Guidelines, 2015. Collection method: clinical testing. Allele origin: germline.

Labcorp Genetics (formerly Invitae), Labcorp
Classification: Benign. Last evaluated: 2017-05-08. Review status: criteria provided, single submitter. Criteria: Invitae Variant Classification Sherloc (09022015). Collection method: clinical testing. Allele origin: germline.

Breakthrough Genomics
Classification: Benign. Review status: criteria provided, single submitter. Criteria: ACMG Guidelines, 2015. Collection method: not provided. Allele origin: germline. Inheritance: Autosomal dominant inheritance. Affected: yes.

NM_001146312.3(MYOCD):c.226G>A (p.Asp76Asn)

Gene: MYOCD (myocardin; plus strand). Cytogenetic location: 17p12.
Variant type: single nucleotide variant.
Coding change: c.226G>A on transcript NM_001146312.3 (MANE Select); coding-DNA position 226, G replaced by A.
Protein change: p.Asp76Asn; replaces aspartic acid 76 with asparagine.
Molecular consequence: missense variant. On other transcripts: 5 prime UTR variant (1).
Genome position (GRCh38, 1-based): chr17:12,717,394, G>A. VCF-style: chr17-12717394-G-A. GRCh37 (hg19) VCF-style: chr17-12620711-G-A.
Other names: c.-12G>A (NM_001378306.1); c.226G>A, p.Asp76Asn (NM_153604.4); short protein forms D76N.
Identifiers: ClinVar variation 768833 (VCV000768833.6), dbSNP rs114839607, ClinGen allele CA8399261.